The following is an entry in ClinVar:

NM_004006.3(DMD):c.2917G>C (p.Glu973Gln)

Gene: DMD (dystrophin; minus strand). Cytogenetic location: Xp21.1.
Variant type: single nucleotide variant.
Coding change: c.2917G>C on transcript NM_004006.3 (MANE Select); coding-DNA position 2917, G replaced by C.
Protein change: p.Glu973Gln; replaces glutamic acid 973 with glutamine.
Molecular consequence: missense variant.
Genome position (GRCh38, 1-based): chrX:32,472,196, C>G on the plus strand (G>C on the coding strand, the complement: DMD is on the minus strand). VCF-style: chrX-32472196-C-G. GRCh37 (hg19) VCF-style: chrX-32490313-C-G.
Other names: c.2893G>C, p.Glu965Gln (NM_000109.4); c.2905G>C, p.Glu969Gln (NM_004009.3); c.2548G>C, p.Glu850Gln (NM_004010.3); short protein forms E850Q, E965Q, E969Q, E973Q.
Identifiers: ClinVar variation 3390492 (VCV003390492.1).

ClinVar aggregate classification (germline): Uncertain significance (1 of 4 stars; one submission).

Submission:

GeneDx
Classification: Uncertain significance. Last evaluated: 2024-06-14. Review status: criteria provided, single submitter. Criteria: GeneDx Variant Classification Process June 2021. Collection method: clinical testing. Allele origin: germline. Affected: yes.
Comment: Not observed at significant frequency in large population cohorts (gnomAD); In silico analysis indicates that this missense variant does not alter protein structure/function; Has not been previously published as pathogenic or benign to our knowledge